The following is an entry in ClinVar:

ClinVar aggregate classification (germline): Uncertain significance. Review status: criteria provided, multiple submitters, no conflicts (2 of 4 stars). 2 submissions from 2 submitters: Uncertain significance (2). Last evaluated 2025-04-19.

Conditions:
Retinitis pigmentosa 59 (RP59). Identifiers: Orphanet 791, MedGen C3151227, MONDO:0013468, OMIM 613861.
Inborn genetic diseases. Identifiers: MedGen C0950123, MeSH D030342.

Allele frequency attached by ClinVar (database versions not stated): gnomAD 0.00001; gnomAD exomes 0.00001; TOPMed 0.00002.
gnomAD v4.1: 11 of 1,613,852 alleles (0.00068%); highest among the groups gnomAD compares: East Asian, 0.0045%; no homozygotes.

Submissions (2):

Ambry Genetics
Classification: Uncertain significance for Inborn genetic diseases. Last evaluated: 2025-04-19. Review status: criteria provided, single submitter. Criteria: Ambry Variant Classification Scheme 2023. Collection method: clinical testing. Allele origin: germline.

Labcorp Genetics (formerly Invitae), Labcorp
Classification: Uncertain significance for Retinitis pigmentosa 59. Last evaluated: 2022-10-24. Review status: criteria provided, single submitter. Criteria: Invitae Variant Classification Sherloc (09022015). Collection method: clinical testing. Allele origin: germline.
Comment: This sequence change replaces arginine, which is basic and polar, with cysteine, which is neutral and slightly polar, at codon 196 of the DHDDS protein (p.Arg196Cys). This variant is present in population databases (no rsID available, gnomAD 0.0009%). This variant has not been reported in the literature in individuals affected with DHDDS-related conditions. Advanced modeling of protein sequence and biophysical properties (such as structural, functional, and spatial information, amino acid conservation, physicochemical variation, residue mobility, and thermodynamic stability) performed at Invitae indicates that this missense variant is not expected to disrupt DHDDS protein function. In summary, the available evidence is currently insufficient to determine the role of this variant in disease. Therefore, it has been classified as a Variant of Uncertain Significance.

NM_205861.3(DHDDS):c.586C>T (p.Arg196Cys)

Gene: DHDDS (dehydrodolichyl diphosphate synthase subunit; plus strand). Cytogenetic location: 1p36.11.
Variant type: single nucleotide variant.
Coding change: c.586C>T on transcript NM_205861.3 (MANE Select); coding-DNA position 586, C replaced by T.
Protein change: p.Arg196Cys; replaces arginine 196 with cysteine.
Molecular consequence: missense variant.
Genome position (GRCh38, 1-based): chr1:26,457,834, C>T. VCF-style: chr1-26457834-C-T. GRCh37 (hg19) VCF-style: chr1-26784325-C-T.
Other names: c.484C>T, p.Arg162Cys (NM_001243564.2); c.469C>T, p.Arg157Cys (NM_001243565.2); c.307C>T, p.Arg103Cys (NM_001319959.2); c.586C>T, p.Arg196Cys (NM_024887.4); c.586C>T (NM_024887.3); short protein forms R162C, R103C, R196C, R157C.
Identifiers: ClinVar variation 2174941 (VCV002174941.2), dbSNP rs1427295345, ClinGen allele CA339144667.
Genomic context (GRCh38, chr1:26,457,834, plus strand): 5'-CTTCTTGCTCATCTTAGTGATATCTCTGAGTCTCTGCTTGATAAGTGCCTCTATACCAAC[C>T]GCTCTCCTCATCCTGACATCTTGATACGGACTTCTGGAGAAGTGCGGCTGAGTGACTTCT-3'
Protein context (NP_995583.1, residues 186-206): SLLDKCLYTN[Arg196Cys]SPHPDILIRT